The following is an entry in ClinVar:

ClinVar aggregate classification (germline): Uncertain significance (1 of 4 stars; one submission).

Conditions:
Hereditary cancer-predisposing syndrome. Also called: Neoplastic Syndromes, Hereditary; Tumor predisposition; Hereditary Cancer Syndrome; Hereditary neoplastic syndrome. Identifiers: Orphanet 140162, MedGen C0027672, MeSH D009386, MONDO:0015356.

Submission:

Color Diagnostics, LLC DBA Color Health
Classification: Uncertain significance for Hereditary cancer-predisposing syndrome. Last evaluated: 2024-08-13. Review status: criteria provided, single submitter. Criteria: ACMG Guidelines, 2015. Collection method: clinical testing. Allele origin: germline.
Comment: This missense variant replaces arginine with leucine at codon 848 of the BRIP1 protein. Computational prediction suggests that this variant may have deleterious impact on protein structure and function. To our knowledge, functional studies have not been reported for this variant. This variant has not been reported in individuals affected with BRIP1-related disorders in the literature. This variant has not been identified in the general population by the Genome Aggregation Database (gnomAD). A different missense variant occurring at the same codon, p.Arg848His, is classified as Likely Pathogenic (ClinVar Variation ID: 141499). The available evidence is insufficient to determine the role of this variant in disease conclusively. Therefore, this variant is classified as a Variant of Uncertain Significance.

NM_032043.3(BRIP1):c.2543G>T (p.Arg848Leu)

Gene: BRIP1 (BRCA1 interacting DNA helicase 1; minus strand). Cytogenetic location: 17q23.2.
Variant type: single nucleotide variant.
Coding change: c.2543G>T on transcript NM_032043.3 (MANE Select); coding-DNA position 2543, G replaced by T.
Protein change: p.Arg848Leu; replaces arginine 848 with leucine.
Molecular consequence: missense variant.
Genome position (GRCh38, 1-based): chr17:61,693,462, C>A on the plus strand (G>T on the coding strand, the complement: BRIP1 is on the minus strand). VCF-style: chr17-61693462-C-A. GRCh37 (hg19) VCF-style: chr17-59770823-C-A.
Other names: short protein forms R848L.
Identifiers: ClinVar variation 3893999 (VCV003893999.1).
Genomic context (GRCh38, chr17:61,693,462, plus strand): 5'-TTTACTCTAAGCCCAGCTGAGATCTTACCAGATATATAGCGACTTGGGTTATTCCTAAAG[C>A]GATCATCCACTAGAATAAGAGCTCCCCAATCATTTCTGTGTCTAATACATCTAGAAAAAA-3'
Protein context (NP_114432.2, residues 838-858): DWGALILVDD[Arg848Leu]FRNNPSRYIS